The following is an entry in ClinVar:

NM_152327.5(AK7):c.1460A>G (p.Tyr487Cys)

Gene: AK7 (adenylate kinase 7; plus strand). Cytogenetic location: 14q32.2.
Variant type: single nucleotide variant.
Coding change: c.1460A>G on transcript NM_152327.5 (MANE Select); coding-DNA position 1460, A replaced by G.
Protein change: p.Tyr487Cys; replaces tyrosine 487 with cysteine.
Molecular consequence: missense variant. On other transcripts: intron variant (1).
Genome position (GRCh38, 1-based): chr14:96,471,580, A>G. VCF-style: chr14-96471580-A-G. GRCh37 (hg19) VCF-style: chr14-96937917-A-G.
Other names: c.1460A>G, p.Tyr487Cys (NM_001350888.2, NM_001350890.2); c.1382A>G, p.Tyr461Cys (NM_001350891.2); c.1358-6885A>G (NM_001350892.2); c.1460A>G (NM_152327.2); short protein forms Y461C, Y487C.
Identifiers: ClinVar variation 1450623 (VCV001450623.6), dbSNP rs1416856949, ClinGen allele CA390920558.

ClinVar aggregate classification (germline): Uncertain significance. Review status: criteria provided, multiple submitters, no conflicts (2 of 4 stars). 2 submissions from 2 submitters: Uncertain significance (2). Last evaluated 2024-02-28.

Allele frequency attached by ClinVar (database versions not stated): gnomAD exomes below 0.00001 and 0.00002; gnomAD 0.00002; TOPMed 0.00007.

Submissions (2):

Ambry Genetics
Classification: Uncertain significance. Last evaluated: 2024-02-28. Review status: criteria provided, single submitter. Criteria: Ambry Variant Classification Scheme 2023. Collection method: clinical testing. Allele origin: germline.

Labcorp Genetics (formerly Invitae), Labcorp
Classification: Uncertain significance. Last evaluated: 2023-07-19. Review status: criteria provided, single submitter. Criteria: Invitae Variant Classification Sherloc (09022015). Collection method: clinical testing. Allele origin: germline.
Comment: This sequence change replaces tyrosine, which is neutral and polar, with cysteine, which is neutral and slightly polar, at codon 487 of the AK7 protein (p.Tyr487Cys). This variant is present in population databases (no rsID available, gnomAD 0.01%). This variant has not been reported in the literature in individuals affected with AK7-related conditions. ClinVar contains an entry for this variant (Variation ID: 1450623). Advanced modeling of protein sequence and biophysical properties (such as structural, functional, and spatial information, amino acid conservation, physicochemical variation, residue mobility, and thermodynamic stability) has been performed at Invitae for this missense variant, however the output from this modeling did not meet the statistical confidence thresholds required to predict the impact of this variant on AK7 protein function. In summary, the available evidence is currently insufficient to determine the role of this variant in disease. Therefore, it has been classified as a Variant of Uncertain Significance.